The following is an entry in ClinVar:

ClinVar aggregate classification (germline): Uncertain significance. Review status: criteria provided, multiple submitters, no conflicts (2 of 4 stars). 2 submissions from 2 submitters: Uncertain significance (2). Last evaluated 2025-12-09.

Conditions:
Hereditary cancer-predisposing syndrome. Also called: Neoplastic Syndromes, Hereditary; Tumor predisposition; Hereditary Cancer Syndrome; Hereditary neoplastic syndrome. Identifiers: Orphanet 140162, MedGen C0027672, MeSH D009386, MONDO:0015356.
Hereditary breast ovarian cancer syndrome. Also called: Hereditary breast and ovarian cancer syndrome (HBOC); Hereditary breast and ovarian cancer; BRCA1- and BRCA2-Associated Hereditary Breast and Ovarian Cancer; Hereditary breast and ovarian cancer syndrome; Breast and ovarian cancer; Hereditary breast and/or ovarian cancer syndrome. Identifiers: Orphanet 145, MedGen C0677776, MeSH D061325, MONDO:0003582. Disease mechanism: loss of function.

gnomAD v4.1: 1 of 1,613,564 alleles (0.000062%); highest among the groups gnomAD compares: Non-Finnish European, 0.000085%; no homozygotes.

Submissions (2):

German Consortium for Hereditary Breast and Ovarian Cancer, University Hospital Cologne
Classification: Uncertain significance for Hereditary breast ovarian cancer syndrome. Last evaluated: 2025-12-09. Review status: criteria provided, single submitter. Criteria: ClinGen BRCA1 V1.1.0. Collection method: curation. Allele origin: germline.
Comment: This classification follows the ClinGen ENIGMA BRCA1 v1.1.0 classification scheme; We chose these criteria: PM2 (supporting pathogenic): gnomAD v2, v3: absent from controls, PP3 (supporting pathogenic): SpliceAI DL = 0.58 (thus >0.2)

Ambry Genetics
Classification: Uncertain significance for Hereditary cancer-predisposing syndrome. Last evaluated: 2020-03-22. Review status: criteria provided, single submitter. Criteria: Ambry Variant Classification Scheme 2023. Collection method: clinical testing. Allele origin: germline.
Comment: The p.D219Y variant (also known as c.655G>T), located in coding exon 8 of the BRCA1 gene, results from a G to T substitution at nucleotide position 655. The aspartic acid at codon 219 is replaced by tyrosine, an amino acid with highly dissimilar properties. This nucleotide position is poorly conserved in available vertebrate species. This amino acid position is poorly conserved in available vertebrate species. In addition, this alteration is predicted to be deleterious by in silico analysis. Since supporting evidence is limited at this time, the clinical significance of this alteration remains unclear.

NM_007294.4(BRCA1):c.655G>T (p.Asp219Tyr)

Gene: BRCA1 (BRCA1 DNA repair associated; minus strand). Cytogenetic location: 17q21.31.
Variant type: single nucleotide variant.
Coding change: c.655G>T on transcript NM_007294.4 (MANE Select); coding-DNA position 655, G replaced by T.
Protein change: p.Asp219Tyr; replaces aspartic acid 219 with tyrosine.
Molecular consequence: missense variant. On other transcripts: non-coding transcript variant (1).
Genome position (GRCh38, 1-based): chr17:43,095,861, C>A on the plus strand (G>T on the coding strand, the complement: BRCA1 is on the minus strand). VCF-style: chr17-43095861-C-A. GRCh37 (hg19) VCF-style: chr17-41247878-C-A.
Other names: c.442G>T, p.Asp148Tyr (NM_001407571.1, NM_001407853.1, NM_001407894.1 and 12 more transcripts); c.655G>T, p.Asp219Tyr (NM_001407581.1, NM_001407582.1, NM_001407583.1 and 59 more transcripts); c.652G>T, p.Asp218Tyr (NM_001407587.1, NM_001407590.1, NM_001407591.1 and 41 more transcripts); c.646G>T, p.Asp216Tyr (NM_001407646.1, NM_001407647.1, NM_001408408.1); c.577G>T, p.Asp193Tyr (NM_001407653.1, NM_001407654.1, NM_001407655.1 and 9 more transcripts); c.574G>T, p.Asp192Tyr (NM_001407659.1, NM_001407660.1, NM_001407661.1 and 3 more transcripts); c.514G>T, p.Asp172Tyr (NM_001407692.1, NM_001407694.1, NM_001407695.1 and 43 more transcripts); c.511G>T, p.Asp171Tyr (NM_001407740.1, NM_001407741.1, NM_001407742.1 and 26 more transcripts); and 4 more; short protein forms D148Y, D149Y, D192Y, D216Y, D219Y, D172Y, D92Y, D193Y.
Identifiers: ClinVar variation 1754198 (VCV001754198.3), dbSNP rs273902779, ClinGen allele CA10600790.